The following is an entry in ClinVar:

ClinVar aggregate classification (germline): Uncertain significance (1 of 4 stars; one submission).

Submission:

Labcorp Genetics (formerly Invitae), Labcorp
Classification: Uncertain significance. Last evaluated: 2025-11-16. Review status: criteria provided, single submitter. Criteria: Invitae Variant Classification Sherloc (09022015). Collection method: clinical testing. Allele origin: germline.
Comment: This sequence change creates a premature translational stop signal (p.Pro739Leufs*6) in the ERBB4 gene. It is expected to result in an absent or disrupted protein product. However, the current clinical and genetic evidence is not sufficient to establish whether loss-of-function variants in ERBB4 cause disease. This variant is not present in population databases (gnomAD no frequency). This variant has not been reported in the literature in individuals affected with ERBB4-related conditions. In summary, the available evidence is currently insufficient to determine the role of this variant in disease. Therefore, it has been classified as a Variant of Uncertain Significance.

NM_005235.3(ERBB4):c.2216del (p.Pro739fs)

Gene: ERBB4 (erb-b2 receptor tyrosine kinase 4; minus strand). Cytogenetic location: 2q34.
Variant type: Deletion.
Coding change: c.2216del on transcript NM_005235.3 (MANE Select); coding-DNA position 2216, one base deleted (C; older notation c.2216delC).
Protein change: p.Pro739fs; shifts the reading frame from proline 739.
Molecular consequence: frameshift variant.
Genome position (GRCh38, 1-based): chr2:211,619,262, G deleted on the plus strand (C on the coding strand, the reverse complement: ERBB4 is on the minus strand); the first of 2 consecutive G bases (chr2:211,619,262-211,619,263); deleting either gives the same sequence. VCF-style (leftmost placement, unchanged base first): chr2-211619261-AG-A. GRCh37 (hg19) VCF-style: chr2-212483986-AG-A.
Other names: c.2216del, p.Pro739fs (NM_001042599.2); c.2186del, p.Pro729fs (NM_001439005.1, NM_001439006.1); short protein forms P739fs, P729fs.
Identifiers: ClinVar variation 4731265 (VCV004731265.1).